The following is an entry in ClinVar:

NM_001197104.2(KMT2A):c.3448C>T (p.Arg1150Cys)

Gene: KMT2A (lysine methyltransferase 2A; plus strand). Cytogenetic location: 11q23.3.
Variant type: single nucleotide variant.
Coding change: c.3448C>T on transcript NM_001197104.2 (MANE Select); coding-DNA position 3448, C replaced by T.
Protein change: p.Arg1150Cys; replaces arginine 1150 with cysteine.
Molecular consequence: missense variant.
Genome position (GRCh38, 1-based): chr11:118,478,080, C>T. VCF-style: chr11-118478080-C-T. GRCh37 (hg19) VCF-style: chr11-118348795-C-T.
Other names: c.3448C>T, p.Arg1150Cys (NM_005933.4); short protein forms R1150C.
Identifiers: ClinVar variation 1300795 (VCV001300795.6), dbSNP rs2134286837, ClinGen allele CA382824724.

ClinVar aggregate classification (germline): Uncertain significance. Review status: criteria provided, multiple submitters, no conflicts (2 of 4 stars). 2 submissions from 2 submitters: Uncertain significance (2). Last evaluated 2025-05-15.

Allele frequency attached by ClinVar (database versions not stated): gnomAD exomes below 0.00001.
gnomAD v4.1: 2 of 1,614,112 alleles (0.00012%); highest among the groups gnomAD compares: Non-Finnish European, 0.00017%; no homozygotes.

Submissions (2):

GeneDx
Classification: Uncertain significance. Last evaluated: 2025-05-15. Review status: criteria provided, single submitter. Criteria: GeneDx Variant Classification Process June 2021. Collection method: clinical testing. Allele origin: germline. Affected: yes.
Comment: In silico analysis supports that this missense variant has a deleterious effect on protein structure/function; De novo variant with confirmed parentage in a patient in published literature; however, the reported clinical features are only partially consistent with the features typically observed in individuals with pathogenic variants in this gene (PMID: 38764027); This variant is associated with the following publications: (PMID: 38764027)

Blueprint Genetics
Classification: Uncertain significance. Last evaluated: 2023-07-13. Review status: criteria provided, single submitter. Criteria: ACMG Guidelines, 2015. Collection method: clinical testing. Allele origin: germline.